The following is an entry in ClinVar:

ClinVar aggregate classification (germline): Pathogenic. Review status: criteria provided, multiple submitters, no conflicts (2 of 4 stars). 3 submissions from 3 submitters: Pathogenic (2). 1 of the submissions does not count toward it. Last evaluated 2022-06-13.

Conditions:
Hypertrophic osteoarthropathy, primary, autosomal recessive, 1 (PHOAR1). Also called: PHO, AUTOSOMAL RECESSIVE. Identifiers: Orphanet 1525, Orphanet 2796, MedGen C4551679, MONDO:0024546, OMIM 259100.
Isolated congenital digital clubbing. Also called: ACROPACHY, HEREDITARY; CLUBBING OF DIGITS. Identifiers: Orphanet 217059, MedGen C0345408, MONDO:0007343, OMIM 119900.
HPGD-related disorder. Also called: HPGD-related condition; HPGD-related disorders.

gnomAD v4.1: 22 of 1,414,330 alleles (0.0016%); highest among the groups gnomAD compares: East Asian, 0.039%; no homozygotes.

Submissions (3):

Blueprint Genetics
Classification: Pathogenic for HPGD-related disorders. Last evaluated: 2022-06-13. Review status: criteria provided, single submitter. Criteria: ACMG Guidelines, 2015. Collection method: clinical testing. Allele origin: germline. Affected: yes. Observed: 5 variant alleles.

Juno Genomics, Hangzhou Juno Genomics, Inc
Classification: Pathogenic for Isolated congenital digital clubbing; Hypertrophic osteoarthropathy, primary, autosomal recessive, 1. Review status: criteria provided, single submitter. Criteria: ACMG Guidelines, 2015. Collection method: clinical testing. Allele origin: germline.
Comment: Absent from controls (or at extremely low frequency if recessive) in Genome Aggregation Database.;Multiple lines of computational evidence support a deleterious effect on the gene or gene product.;For recessive disorders, detected in trans with a pathogenic variant.

Division of Pediatric Nephrology, Shenzhen Children's Hospital
Classification: Pathogenic for Hypertrophic osteoarthropathy, primary, autosomal recessive, 1. Last evaluated: 2024-09-26. Review status: no assertion criteria provided. Collection method: provider interpretation. Allele origin: germline. Inheritance: Autosomal recessive inheritance. Affected: yes. Observed: 1 homozygote. Not counted in ClinVar's aggregate classification.
Comment: The c.324+5G>A variant in the HPGD gene has been identified as a homozygous mutation leading to a splice variant (p.?), and has been associated with primary hypertrophic osteoarthropathy (Chen et al., Clin Chim Acta, 487, 264, 2018 [PMID: 30292630]). This variant has been classified as pathogenic according to ACMG guidelines, supported by evidence from population databases showing a frequency of 0.0006418 (PM2_Supporting) and multiple reports of this mutation in affected individuals (PM3_VeryStrong). Additionally, spliceAI predicts a high likelihood of splice disruption with a score of 0.97 (PP3).

Literature cited by the submitters: PubMed 30292630 (cited by Division of Pediatric Nephrology, Shenzhen Children's Hospital).

NM_000860.6(HPGD):c.324+5G>A

Gene: HPGD (15-hydroxyprostaglandin dehydrogenase; minus strand). Cytogenetic location: 4q34.1.
Variant type: single nucleotide variant.
Coding change: c.324+5G>A on transcript NM_000860.6 (MANE Select); 5 bases into the intron after coding-DNA position 324, G replaced by A.
Molecular consequence: intron variant.
Genome position (GRCh38, 1-based): chr4:174,517,966, C>T on the plus strand (G>A on the coding strand, the complement: HPGD is on the minus strand). VCF-style: chr4-174517966-C-T. GRCh37 (hg19) VCF-style: chr4-175439117-C-T.
Other names: c.217+3978G>A (NM_001256306.2); c.-40+3978G>A (NM_001256307.2); c.324+5G>A (NM_001256305.2, NM_001145816.3, NM_001363574.2); c.-40+5G>A (NM_001256301.1).
Identifiers: ClinVar variation 3362780 (VCV003362780.7).